The following is an entry in ClinVar:

ClinVar aggregate classification (germline): Uncertain significance. Review status: criteria provided, multiple submitters, no conflicts (2 of 4 stars). 3 submissions from 3 submitters: Uncertain significance (3). Last evaluated 2026-07-07.

Conditions:
Jeune thoracic dystrophy. Also called: Jeune syndrome; Infantile thoracic dystrophy; Thoracic pelvic phalangeal dystrophy; Jeune's syndrome; Chondroectodermal dysplasia-like syndrome; Short-rib thoracic dysplasia. Identifiers: Orphanet 474, MedGen C0265275, MONDO:0018770.
Inborn genetic diseases. Identifiers: MedGen C0950123, MeSH D030342.

gnomAD v4.1: 18 of 1,613,578 alleles (0.0011%); highest among the groups gnomAD compares: Admixed American, 0.013%; no homozygotes.

Submissions (3):

Ambry Genetics
Classification: Uncertain significance for Inborn genetic diseases. Last evaluated: 2026-07-07. Review status: criteria provided, single submitter. Criteria: Ambry Variant Classification Scheme 2023. Collection method: clinical testing. Allele origin: germline.
Comment: The c.10966C>T (p.R3656C) alteration is located in exon 75 (coding exon 75) of the DYNC2H1 gene. This alteration results from a C to T substitution at nucleotide position 10966, causing the arginine (R) at amino acid position 3656 to be replaced by a cysteine (C). Based on data from gnomAD, the T allele has an overall frequency of 0.001% (3/248644) total alleles studied. The highest observed frequency was 0.007% (1/15484) of African alleles. Based on insufficient or conflicting evidence, the clinical significance of this alteration remains unclear.

GeneDx
Classification: Uncertain significance. Last evaluated: 2026-03-31. Review status: criteria provided, single submitter. Criteria: GeneDx Variant Classification Process June 2021. Collection method: clinical testing. Allele origin: germline.
Comment: Not observed at significant frequency in large population cohorts (gnomAD); In silico analysis suggests that this missense variant does not alter protein structure/function; Has not been previously published as pathogenic or benign to our knowledge

Labcorp Genetics (formerly Invitae), Labcorp
Classification: Uncertain significance for Jeune thoracic dystrophy. Last evaluated: 2024-06-23. Review status: criteria provided, single submitter. Criteria: Invitae Variant Classification Sherloc (09022015). Collection method: clinical testing. Allele origin: germline.
Comment: This sequence change replaces arginine, which is basic and polar, with cysteine, which is neutral and slightly polar, at codon 3656 of the DYNC2H1 protein (p.Arg3656Cys). This variant is present in population databases (no rsID available, gnomAD 0.007%). This variant has not been reported in the literature in individuals affected with DYNC2H1-related conditions. ClinVar contains an entry for this variant (Variation ID: 2285816). Advanced modeling of protein sequence and biophysical properties (such as structural, functional, and spatial information, amino acid conservation, physicochemical variation, residue mobility, and thermodynamic stability) has been performed at Invitae for this missense variant, however the output from this modeling did not meet the statistical confidence thresholds required to predict the impact of this variant on DYNC2H1 protein function. In summary, the available evidence is currently insufficient to determine the role of this variant in disease. Therefore, it has been classified as a Variant of Uncertain Significance.

NM_001377.3(DYNC2H1):c.10945C>T (p.Arg3649Cys)

Gene: DYNC2H1 (dynein cytoplasmic 2 heavy chain 1; plus strand). Cytogenetic location: 11q22.3.
Variant type: single nucleotide variant.
Coding change: c.10945C>T on transcript NM_001377.3 (MANE Select); coding-DNA position 10945, C replaced by T.
Protein change: p.Arg3649Cys; replaces arginine 3649 with cysteine.
Molecular consequence: missense variant.
Genome position (GRCh38, 1-based): chr11:103,286,309, C>T. VCF-style: chr11-103286309-C-T. GRCh37 (hg19) VCF-style: chr11-103157038-C-T.
Other names: c.10966C>T, p.Arg3656Cys (NM_001080463.2); short protein forms R3649C, R3656C.
Identifiers: ClinVar variation 2285816 (VCV002285816.6), dbSNP rs763800155, ClinGen allele CA382258154.